The following is an entry in ClinVar:

ClinVar aggregate classification (germline): Uncertain significance (1 of 4 stars; one submission).

Conditions:
Ehlers-Danlos syndrome, classic type, 1 (EDSCL1). Also called: Ehlers-Danlos Syndrome, Classic Type, COL5A1-Related; EDS I; Ehlers-Danlos syndrome, type 1; EHLERS-DANLOS SYNDROME, GRAVIS TYPE; EHLERS-DANLOS SYNDROME, SEVERE CLASSIC TYPE. Identifiers: MedGen C0268335, MONDO:0019567, OMIM 130000.

Allele frequency attached by ClinVar (database versions not stated): TOPMed below 0.00001; gnomAD exomes 0.00002.
gnomAD v4.1: 14 of 1,614,086 alleles (0.00087%); highest among the groups gnomAD compares: Non-Finnish European, 0.0012%; no homozygotes.

Submission:

Labcorp Genetics (formerly Invitae), Labcorp
Classification: Uncertain significance for Ehlers-Danlos syndrome, classic type, 1. Last evaluated: 2023-12-06. Review status: criteria provided, single submitter. Criteria: Invitae Variant Classification Sherloc (09022015). Collection method: clinical testing. Allele origin: germline.
Comment: This sequence change replaces proline, which is neutral and non-polar, with alanine, which is neutral and non-polar, at codon 968 of the COL5A1 protein (p.Pro968Ala). This variant is not present in population databases (gnomAD no frequency). This variant has not been reported in the literature in individuals affected with COL5A1-related conditions. ClinVar contains an entry for this variant (Variation ID: 580183). Advanced modeling of protein sequence and biophysical properties (such as structural, functional, and spatial information, amino acid conservation, physicochemical variation, residue mobility, and thermodynamic stability) performed at Invitae indicates that this missense variant is not expected to disrupt COL5A1 protein function with a negative predictive value of 80%. In summary, the available evidence is currently insufficient to determine the role of this variant in disease. Therefore, it has been classified as a Variant of Uncertain Significance.

NM_000093.5(COL5A1):c.2902C>G (p.Pro968Ala)

Gene: COL5A1 (collagen type V alpha 1 chain; plus strand). Cytogenetic location: 9q34.3.
Variant type: single nucleotide variant.
Coding change: c.2902C>G on transcript NM_000093.5 (MANE Select); coding-DNA position 2902, C replaced by G.
Protein change: p.Pro968Ala; replaces proline 968 with alanine.
Molecular consequence: missense variant.
Genome position (GRCh38, 1-based): chr9:134,798,411, C>G. VCF-style: chr9-134798411-C-G. GRCh37 (hg19) VCF-style: chr9-137690257-C-G.
Other names: c.2902C>G, p.Pro968Ala (NM_001278074.1); short protein forms P968A.
Identifiers: ClinVar variation 580183 (VCV000580183.10), dbSNP rs1564466152, ClinGen allele CA375457568.